The following is an entry in ClinVar:

NM_001395333.1(MTCL1):c.3834C>T (p.Ser1278=)

Gene: MTCL1 (microtubule crosslinking factor 1; plus strand). Cytogenetic location: 18p11.22.
Variant type: single nucleotide variant.
Coding change: c.3834C>T on transcript NM_001395333.1 (MANE Select); coding-DNA position 3834, C replaced by T.
Protein change: p.Ser1278=; no amino-acid change (serine 1278 retained).
Molecular consequence: synonymous variant.
Genome position (GRCh38, 1-based): chr18:8,813,128, C>T. VCF-style: chr18-8813128-C-T. GRCh37 (hg19) VCF-style: chr18-8813126-C-T.
Other names: c.3711C>T, p.Ser1237= (NM_001378205.1, NM_001378207.1); c.3834C>T, p.Ser1278= (NM_001378206.1); c.2631C>T, p.Ser877= (NM_001395220.1); c.2754C>T, p.Ser918= (NM_015210.4).
Identifiers: ClinVar variation 2648558 (VCV002648558.24), dbSNP rs768641614, ClinGen allele CA8886420.

ClinVar aggregate classification (germline): Likely benign (1 of 4 stars; one submission).

Allele frequency attached by ClinVar (database versions not stated): ExAC 0.00001; gnomAD 0.00001.
gnomAD v4.1: 8 of 1,613,994 alleles (0.0005%); highest among the groups gnomAD compares: African/African-American, 0.0027%; no homozygotes.

Submission:

CeGaT Center for Human Genetics Tuebingen
Classification: Likely benign. Last evaluated: 2023-03-01. Review status: criteria provided, single submitter. Criteria: CeGaT Center For Human Genetics Tuebingen Variant Classification Criteria Version 2. Collection method: clinical testing. Allele origin: germline. Affected: yes. Observed: 1 variant allele.
Comment: MTCL1: BP4, BP7